The following is an entry in ClinVar:

ClinVar aggregate classification (germline): Uncertain significance. Review status: criteria provided, multiple submitters, no conflicts (2 of 4 stars). 2 submissions from 2 submitters: Uncertain significance (2). Last evaluated 2025-08-12.

Allele frequency attached by ClinVar (database versions not stated): gnomAD exomes below 0.00001; gnomAD 0.00002; TOPMed 0.00002.
gnomAD v4.1: 17 of 1,597,130 alleles (0.0011%); highest among the groups gnomAD compares: African/African-American, 0.0013%; no homozygotes.

Submissions (2):

Labcorp Genetics (formerly Invitae), Labcorp
Classification: Uncertain significance. Last evaluated: 2025-08-12. Review status: criteria provided, single submitter. Criteria: Invitae Variant Classification Sherloc (09022015). Collection method: clinical testing. Allele origin: germline.
Comment: This sequence change replaces proline, which is neutral and non-polar, with leucine, which is neutral and non-polar, at codon 294 of the GATA5 protein (p.Pro294Leu). The frequency data for this variant in the population databases is considered unreliable, as metrics indicate poor data quality at this position in the gnomAD database. This variant has not been reported in the literature in individuals affected with GATA5-related conditions. ClinVar contains an entry for this variant (Variation ID: 1445962). Invitae Evidence Modeling of protein sequence and biophysical properties (such as structural, functional, and spatial information, amino acid conservation, physicochemical variation, residue mobility, and thermodynamic stability) indicates that this missense variant is expected to disrupt GATA5 protein function with a positive predictive value of 80%. In summary, the available evidence is currently insufficient to determine the role of this variant in disease. Therefore, it has been classified as a Variant of Uncertain Significance.

Ambry Genetics
Classification: Uncertain significance. Last evaluated: 2025-04-14. Review status: criteria provided, single submitter. Criteria: Ambry Variant Classification Scheme 2023. Collection method: clinical testing. Allele origin: germline.

NM_080473.5(GATA5):c.881C>T (p.Pro294Leu)

Gene: GATA5 (GATA binding protein 5; minus strand). Cytogenetic location: 20q13.33.
Variant type: single nucleotide variant.
Coding change: c.881C>T on transcript NM_080473.5 (MANE Select); coding-DNA position 881, C replaced by T.
Protein change: p.Pro294Leu; replaces proline 294 with leucine.
Molecular consequence: missense variant.
Genome position (GRCh38, 1-based): chr20:62,465,866, G>A on the plus strand (C>T on the coding strand, the complement: GATA5 is on the minus strand). VCF-style: chr20-62465866-G-A. GRCh37 (hg19) VCF-style: chr20-61040922-G-A.
Other names: c.881C>T (NM_080473.4); short protein forms P294L.
Identifiers: ClinVar variation 1445962 (VCV001445962.7), dbSNP rs1190332701, ClinGen allele CA409553392.